The following is an entry in ClinVar:

NM_001244008.2(KIF1A):c.1396C>T (p.Arg466Trp)

Gene: KIF1A (kinesin family member 1A; minus strand). Cytogenetic location: 2q37.3.
Variant type: single nucleotide variant.
Coding change: c.1396C>T on transcript NM_001244008.2 (MANE Select); coding-DNA position 1396, C replaced by T.
Protein change: p.Arg466Trp; replaces arginine 466 with tryptophan.
Molecular consequence: missense variant.
Genome position (GRCh38, 1-based): chr2:240,769,652, G>A on the plus strand (C>T on the coding strand, the complement: KIF1A is on the minus strand). VCF-style: chr2-240769652-G-A. GRCh37 (hg19) VCF-style: chr2-241709069-G-A.
Other names: c.1396C>T, p.Arg466Trp (NM_001320705.2, NM_001330289.2, NM_001379638.1); c.1471C>T, p.Arg491Trp (NM_001330290.2, NM_001379631.1, NM_001379634.1 and 2 more transcripts); c.1369C>T, p.Arg457Trp (NM_001379632.1, NM_001379633.1, NM_001379636.1 and 10 more transcripts); c.1444C>T, p.Arg482Trp (NM_001379637.1, NM_001379648.1); short protein forms R457W, R466W, R482W, R491W.
Identifiers: ClinVar variation 989309 (VCV000989309.5), dbSNP rs1283675580, ClinGen allele CA351329839.
Genomic context (GRCh38, chr2:240,769,652, plus strand): 5'-CCCTCCCCCTGGGCCTCAGTTTCCCCGCTGCACACCTCTCCATCCGGATGGCTTCTGTCC[G>A]CCGCAGCTTCTCCTCCCAGGTCTCATTGAGCTCAGCTATGATCTTCTCTGTTTCCTGGGG-3'
Protein context (NP_001230937.1, residues 456-476): LNETWEEKLR[Arg466Trp]TEAIRMEREA

ClinVar aggregate classification (germline): Uncertain significance. Review status: criteria provided, multiple submitters, no conflicts (2 of 4 stars). 2 submissions from 2 submitters: Uncertain significance (2). Last evaluated 2020-06-11.

Conditions:
KIF1A-related disorder. Also called: KIF1A-related disorders; KIF1A-related condition.

Allele frequency attached by ClinVar (database versions not stated): gnomAD exomes below 0.00001 and 0.00001.
gnomAD v4.1: 12 of 1,613,354 alleles (0.00074%); highest among the groups gnomAD compares: Non-Finnish European, 0.00085%; no homozygotes.

Submissions (2):

Illumina Laboratory Services, Illumina
Classification: Uncertain significance for KIF1A-related disorders. Last evaluated: 2020-06-11. Review status: criteria provided, single submitter. Criteria: ICSLVariantClassificationCriteria RUGD 01 April 2020. Collection method: clinical testing. Allele origin: unknown.
Comment: The KIF1A c.1396C>T (p.Arg466Trp) variant is a missense variant. A literature search was performed for the gene, cDNA change, and amino acid change. No publications were found based on this search. This variant is reported at a frequency of 0.000056 in the East Asian population of the Genome Aggregation Database though this is based on one allele in a region of good sequence coverage so the variant is presumed to be rare. Based on the limited evidence, the p.Arg466Trp variant is classified as a variant of uncertain significance for KIF1A-related disorders.

GeneDx
Classification: Uncertain significance. Last evaluated: 2019-07-23. Review status: criteria provided, single submitter. Criteria: GeneDx Variant Classification Process June 2021. Collection method: clinical testing. Allele origin: germline. Affected: yes.
Comment: Not observed in large population cohorts (Lek et al., 2016); In silico analysis, which includes protein predictors and evolutionary conservation, supports a deleterious effect; Has not been previously published as pathogenic or benign to our knowledge